The following is an entry in ClinVar:

NM_002485.5(NBN):c.1932G>T (p.Gln644His)

Gene: NBN (nibrin; minus strand). Cytogenetic location: 8q21.3.
Variant type: single nucleotide variant.
Coding change: c.1932G>T on transcript NM_002485.5 (MANE Select); coding-DNA position 1932, G replaced by T.
Protein change: p.Gln644His; replaces glutamine 644 with histidine.
Molecular consequence: missense variant.
Genome position (GRCh38, 1-based): chr8:89,946,278, C>A on the plus strand (G>T on the coding strand, the complement: NBN is on the minus strand). VCF-style: chr8-89946278-C-A. GRCh37 (hg19) VCF-style: chr8-90958506-C-A.
Other names: c.1686G>T, p.Gln562His (NM_001024688.3); short protein forms Q562H, Q644H.
Identifiers: ClinVar variation 1057200 (VCV001057200.7), dbSNP rs754783870, ClinGen allele CA371676775.

ClinVar aggregate classification (germline): Uncertain significance (1 of 4 stars; one submission).

Conditions:
Microcephaly, normal intelligence and immunodeficiency (NBS). Also called: BERLIN BREAKAGE SYNDROME; SEEMANOVA SYNDROME II; Immunodeficiency, microcephaly with normal intelligence; Nijmegen breakage syndrome; Microcephaly with normal intelligence immunodeficiency and lymphoreticular malignancies; Nonsyndromal microcephaly autosomal recessive with normal intelligence. Identifiers: Orphanet 647, MedGen C0398791, MONDO:0009623, OMIM 251260.

Submission:

Labcorp Genetics (formerly Invitae), Labcorp
Classification: Uncertain significance for Microcephaly, normal intelligence and immunodeficiency. Last evaluated: 2022-06-09. Review status: criteria provided, single submitter. Criteria: Invitae Variant Classification Sherloc (09022015). Collection method: clinical testing. Allele origin: germline.
Comment: This sequence change replaces glutamine, which is neutral and polar, with histidine, which is basic and polar, at codon 644 of the NBN protein (p.Gln644His). This variant is not present in population databases (gnomAD no frequency). This variant has not been reported in the literature in individuals affected with NBN-related conditions. ClinVar contains an entry for this variant (Variation ID: 1057200). Algorithms developed to predict the effect of missense changes on protein structure and function (SIFT, PolyPhen-2, Align-GVGD) all suggest that this variant is likely to be tolerated. In summary, the available evidence is currently insufficient to determine the role of this variant in disease. Therefore, it has been classified as a Variant of Uncertain Significance.